The following is an entry in ClinVar:

NM_002180.3(IGHMBP2):c.2828G>T (p.Arg943Ile)

Gene: IGHMBP2 (immunoglobulin mu DNA binding protein 2; plus strand). Cytogenetic location: 11q13.3.
Variant type: single nucleotide variant.
Coding change: c.2828G>T on transcript NM_002180.3 (MANE Select); coding-DNA position 2828, G replaced by T.
Protein change: p.Arg943Ile; replaces arginine 943 with isoleucine.
Molecular consequence: missense variant.
Genome position (GRCh38, 1-based): chr11:68,939,577, G>T. VCF-style: chr11-68939577-G-T. GRCh37 (hg19) VCF-style: chr11-68707045-G-T.
Other names: short protein forms R943I.
Identifiers: ClinVar variation 1796524 (VCV001796524.2), dbSNP rs779871930, ClinGen allele CA381654837.

ClinVar aggregate classification (germline): Uncertain significance (1 of 4 stars; one submission).

Conditions:
Inborn genetic diseases. Identifiers: MedGen C0950123, MeSH D030342.

Allele frequency attached by ClinVar (database versions not stated): gnomAD exomes below 0.00001; gnomAD 0.00001.
gnomAD v4.1: 6 of 1,612,950 alleles (0.00037%); highest among the groups gnomAD compares: East Asian, 0.0022%; no homozygotes.

Submission:

Ambry Genetics
Classification: Uncertain significance for Inborn genetic diseases. Last evaluated: 2022-02-21. Review status: criteria provided, single submitter. Criteria: Ambry Variant Classification Scheme 2023. Collection method: clinical testing. Allele origin: germline.
Comment: The p.R943I variant (also known as c.2828G>T), located in coding exon 15 of the IGHMBP2 gene, results from a G to T substitution at nucleotide position 2828. The arginine at codon 943 is replaced by isoleucine, an amino acid with similar properties. This amino acid position is conserved. In addition, this alteration is predicted to be tolerated by in silico analysis. Since supporting evidence is limited at this time, the clinical significance of this alteration remains unclear.